The following is an entry in ClinVar:

NM_032119.4(ADGRV1):c.1555dup (p.Thr519fs)

Gene: ADGRV1 (adhesion G protein-coupled receptor V1; plus strand). Cytogenetic location: 5q14.3.
Variant type: Duplication.
Coding change: c.1555dup on transcript NM_032119.4 (MANE Select); coding-DNA position 1555, one base duplicated (A; older notation c.1555dupA).
Protein change: p.Thr519fs; shifts the reading frame from threonine 519.
Molecular consequence: frameshift variant. On other transcripts: non-coding transcript variant (1).
Genome position (GRCh38, 1-based): chr5:90,629,255, A duplicated; the last of 2 consecutive A bases (chr5:90,629,254-90,629,255); duplicating either gives the same sequence. VCF-style (leftmost placement, unchanged base first): chr5-90629253-T-TA. GRCh37 (hg19) VCF-style: chr5-89925070-T-TA.
Other names: short protein forms T519fs.
Identifiers: ClinVar variation 2024050 (VCV002024050.4), dbSNP rs2531839298, ClinGen allele CA2580073730.

ClinVar aggregate classification (germline): Pathogenic (1 of 4 stars; one submission).

Submission:

Labcorp Genetics (formerly Invitae), Labcorp
Classification: Pathogenic. Last evaluated: 2022-08-13. Review status: criteria provided, single submitter. Criteria: Invitae Variant Classification Sherloc (09022015). Collection method: clinical testing. Allele origin: germline.
Comment: For these reasons, this variant has been classified as Pathogenic. This variant has not been reported in the literature in individuals affected with ADGRV1-related conditions. This variant is not present in population databases (gnomAD no frequency). This sequence change creates a premature translational stop signal (p.Thr519Asnfs*11) in the ADGRV1 gene. It is expected to result in an absent or disrupted protein product. Loss-of-function variants in ADGRV1 are known to be pathogenic (PMID: 19357117, 22135276, 22147658, 26226137, 30718709, 31047384, 32467589).

Literature cited by the submitters: PubMed 19357117; PubMed 22135276; PubMed 22147658; PubMed 26226137; PubMed 30718709; PubMed 31047384; PubMed 32467589.